The following is an entry in ClinVar:

ClinVar aggregate classification (germline): Uncertain significance (1 of 4 stars; one submission).

Conditions:
Short-rib thoracic dysplasia 6 with or without polydactyly (SRTD6). Also called: Majewski Syndrome; POLYDACTYLY WITH NEONATAL CHONDRODYSTROPHY, TYPE II; SHORT-RIB THORACIC DYSPLASIA 6 WITH POLYDACTYLY; SHORT-RIB THORACIC DYSPLASIA 6 WITHOUT POLYDACTYLY; SHORT RIB-POLYDACTYLY SYNDROME, TYPE IIA. Identifiers: MedGen C0024507, MONDO:0009894, OMIM 263520.

Allele frequency attached by ClinVar (database versions not stated): gnomAD exomes below 0.00001.
gnomAD v4.1: 1 of 1,604,230 alleles (0.000062%); highest among the groups gnomAD compares: Non-Finnish European, 0.000085%; no homozygotes.

Submission:

Labcorp Genetics (formerly Invitae), Labcorp
Classification: Uncertain significance for Short-rib thoracic dysplasia 6 with or without polydactyly. Last evaluated: 2024-01-02. Review status: criteria provided, single submitter. Criteria: Invitae Variant Classification Sherloc (09022015). Collection method: clinical testing. Allele origin: germline.
Comment: This sequence change replaces isoleucine, which is neutral and non-polar, with valine, which is neutral and non-polar, at codon 706 of the NEK1 protein (p.Ile706Val). This variant is not present in population databases (gnomAD no frequency). This variant has not been reported in the literature in individuals affected with NEK1-related conditions. Advanced modeling of protein sequence and biophysical properties (such as structural, functional, and spatial information, amino acid conservation, physicochemical variation, residue mobility, and thermodynamic stability) performed at Invitae indicates that this missense variant is not expected to disrupt NEK1 protein function with a negative predictive value of 80%. In summary, the available evidence is currently insufficient to determine the role of this variant in disease. Therefore, it has been classified as a Variant of Uncertain Significance.

NM_001199397.3(NEK1):c.2200A>G (p.Ile734Val)

Gene: NEK1 (NIMA related kinase 1; minus strand). Cytogenetic location: 4q33.
Variant type: single nucleotide variant.
Coding change: c.2200A>G on transcript NM_001199397.3 (MANE Select); coding-DNA position 2200, A replaced by G.
Protein change: p.Ile734Val; replaces isoleucine 734 with valine.
Molecular consequence: missense variant. On other transcripts: non-coding transcript variant (1).
Genome position (GRCh38, 1-based): chr4:169,477,437, T>C on the plus strand (A>G on the coding strand, the complement: NEK1 is on the minus strand). VCF-style: chr4-169477437-T-C. GRCh37 (hg19) VCF-style: chr4-170398588-T-C.
Other names: c.2068A>G, p.Ile690Val (NM_001199398.3); c.1909A>G, p.Ile637Val (NM_001199399.3); c.1984A>G, p.Ile662Val (NM_001199400.3); c.2200A>G, p.Ile734Val (NM_001374418.1); c.2116A>G, p.Ile706Val (NM_001374419.1, NM_012224.4); c.2065A>G, p.Ile689Val (NM_001374420.1); c.1894A>G, p.Ile632Val (NM_001374421.1); short protein forms I689V, I632V, I734V, I662V, I637V, I690V, I706V.
Identifiers: ClinVar variation 2698456 (VCV002698456.3), dbSNP rs758444054, ClinGen allele CA358733123.